The following is an entry in ClinVar:

ClinVar aggregate classification (germline): Uncertain significance (1 of 4 stars; one submission).

Conditions:
RASopathy. Also called: rasopathies; Noonan spectrum disorder. Identifiers: Orphanet 536391, MedGen C5555857, MONDO:0021060.

Submission:

Labcorp Genetics (formerly Invitae), Labcorp
Classification: Uncertain significance for RASopathy. Last evaluated: 2025-11-11. Review status: criteria provided, single submitter. Criteria: Invitae Variant Classification Sherloc (09022015). Collection method: clinical testing. Allele origin: germline.
Comment: This sequence change falls in intron 5 of the MAP2K1 gene. It does not directly change the encoded amino acid sequence of the MAP2K1 protein. It affects a nucleotide within the consensus splice site. This variant is not present in population databases (gnomAD no frequency). This variant has not been reported in the literature in individuals affected with MAP2K1-related conditions. Variants that disrupt the consensus splice site are a relatively common cause of aberrant splicing (PMID: 17576681, 9536098). Algorithms developed to predict the effect of sequence changes on RNA splicing suggest that this variant is not likely to affect RNA splicing. In summary, the available evidence is currently insufficient to determine the role of this variant in disease. Therefore, it has been classified as a Variant of Uncertain Significance.

Literature cited by the submitters: PubMed 17576681; PubMed 9536098.

NM_002755.4(MAP2K1):c.569-3C>T

Gene: MAP2K1 (mitogen-activated protein kinase kinase 1; plus strand). Cytogenetic location: 15q22.31.
Variant type: single nucleotide variant.
Coding change: c.569-3C>T on transcript NM_002755.4 (MANE Select); 3 bases into the intron before coding-DNA position 569, C replaced by T.
Molecular consequence: intron variant.
Genome position (GRCh38, 1-based): chr15:66,481,752, C>T. VCF-style: chr15-66481752-C-T. GRCh37 (hg19) VCF-style: chr15-66774090-C-T.
Other names: c.425-3C>T (NM_001411065.1).
Identifiers: ClinVar variation 4730984 (VCV004730984.1).